The following is an entry in ClinVar:

ClinVar aggregate classification (germline): Pathogenic. Review status: criteria provided, single submitter (1 of 4 stars). 2 submissions from 2 submitters: Pathogenic (1). 1 of the submissions does not count toward it.

Conditions:
Female infertility due to zona pellucida defect (OOMD). Also called: Oocyte maturation defect 1; OOCYTE/ZYGOTE/EMBRYO MATURATION ARREST 1. Identifiers: Orphanet 404466, MedGen C4014291, MONDO:0014342, OMIM 615774.

Submissions (2):

Juno Genomics, Hangzhou Juno Genomics, Inc
Classification: Pathogenic for Female infertility due to zona pellucida defect. Review status: criteria provided, single submitter. Criteria: ACMG Guidelines, 2015. Collection method: clinical testing. Allele origin: germline.
Comment: Absent from controls (or at extremely low frequency if recessive) in Genome Aggregation Database.;Null variant in a gene where loss of function (LOF) is a known mechanism of disease.;For recessive disorders, detected in trans with a pathogenic variant.;Co-segregation with disease in multiple affected family members.

OMIM
Classification: Pathogenic for OOCYTE/ZYGOTE/EMBRYO MATURATION ARREST 1. Last evaluated: 2014-03-27. Review status: no assertion criteria provided. Collection method: literature only. Allele origin: germline. Not counted in ClinVar's aggregate classification.

Literature cited by the submitters: PubMed 24670168 (cited by OMIM).

NM_207341.4(ZP1):c.1169_1176del (p.Ile390fs)

Gene: ZP1 (zona pellucida glycoprotein 1; plus strand). Cytogenetic location: 11q12.2.
Variant type: Deletion.
Coding change: c.1169_1176del on transcript NM_207341.4 (MANE Select); coding-DNA positions 1169 to 1176, 8 bases deleted (TTTTCCCA; older notation c.1169_1176delTTTTCCCA).
Protein change: p.Ile390fs; shifts the reading frame from isoleucine 390.
Molecular consequence: frameshift variant. On other transcripts: 5 prime UTR variant (1).
Genome position (GRCh38, 1-based): chr11:60,873,218-60,873,225, TTTTCCCA deleted; deleting any 8 consecutive bases within chr11:60,873,215-60,873,225 gives the same sequence; the c. name uses the placement nearest the transcript's 3' end. VCF-style (leftmost placement, unchanged base first): chr11-60873214-TCCATTTTC-T. GRCh37 (hg19) VCF-style: chr11-60640687-TCCATTTTC-T.
Other names: c.290_297del, p.Ile97fs (NM_001391943.1); c.-26_-19del (NM_001391944.1); short protein forms I390fs, I97fs.
Identifiers: ClinVar variation 127200 (VCV000127200.5), dbSNP rs587777362, ClinGen allele CA151422.